The following is an entry in ClinVar:

NM_000214.3(JAG1):c.-385T>G

Gene: JAG1 (jagged canonical Notch ligand 1; minus strand). Cytogenetic location: 20p12.2.
Variant type: single nucleotide variant.
Coding change: c.-385T>G on transcript NM_000214.3 (MANE Select); 385 bases upstream of the start codon, T replaced by G.
Molecular consequence: 5 prime UTR variant.
Genome position (GRCh38, 1-based): chr20:10,673,915, A>C on the plus strand (T>G on the coding strand, the complement: JAG1 is on the minus strand). VCF-style: chr20-10673915-A-C. GRCh37 (hg19) VCF-style: chr20-10654563-A-C.
Other names: c.-385T>G (LRG_1191t1).
Identifiers: ClinVar variation 337772 (VCV000337772.9), dbSNP rs1051412, ClinGen allele CA10643506.

ClinVar aggregate classification (germline): Benign. Review status: criteria provided, multiple submitters, no conflicts (2 of 4 stars). 3 submissions from 3 submitters: Benign (3). Last evaluated 2018-09-04.

Conditions:
Isolated Nonsyndromic Congenital Heart Disease.

Allele frequency attached by ClinVar (database versions not stated): gnomAD exomes 0.46005; gnomAD 0.54894 and 0.55267; 1000 Genomes Project 0.55451; TOPMed 0.57183.
gnomAD v4.1: 83,176 of 151,514 alleles (55%); highest among the groups gnomAD compares: African/African-American, 69%; 23,579 homozygotes.

Submissions (3):

GeneDx
Classification: Benign. Last evaluated: 2018-09-04. Review status: criteria provided, single submitter. Criteria: GeneDx Variant Classification Process June 2021. Collection method: clinical testing. Allele origin: germline. Affected: yes.

Illumina Laboratory Services, Illumina
Classification: Benign for Isolated Nonsyndromic Congenital Heart Disease. Last evaluated: 2018-01-12. Review status: criteria provided, single submitter. Criteria: ICSL Variant Classification Criteria 13 December 2019. Collection method: clinical testing. Allele origin: germline.
Comment: This variant was observed in the ICSL laboratory as part of a predisposition screen in an ostensibly healthy population. It had not been previously curated by ICSL or reported in the Human Gene Mutation Database (HGMD: prior to June 1st, 2018), and was therefore a candidate for classification through an automated scoring system. Utilizing variant allele frequency, disease prevalence and penetrance estimates, and inheritance mode, an automated score was calculated to assess if this variant is too frequent to cause the disease. Based on the score and internal cut-off values, a variant classified as benign is not then subjected to further curation. The score for this variant resulted in a classification of benign for this disease.

Breakthrough Genomics
Classification: Benign. Review status: criteria provided, single submitter. Criteria: ACMG Guidelines, 2015. Collection method: not provided. Allele origin: germline. Inheritance: Autosomal dominant inheritance. Affected: yes.